The following is an entry in ClinVar:

ClinVar aggregate classification (germline): Conflicting classifications of pathogenicity. Review status: criteria provided, conflicting classifications (1 of 4 stars). 2 submissions from 2 submitters: Uncertain significance (1); Likely benign (1). Last evaluated 2025-10-18.

Conditions:
Inborn genetic diseases. Identifiers: MedGen C0950123, MeSH D030342.

gnomAD v4.1: 24 of 1,611,690 alleles (0.0015%); highest among the groups gnomAD compares: Non-Finnish European, 0.0014%; no homozygotes.

Submissions (2):

Ambry Genetics
Classification: Likely benign for Inborn genetic diseases. Last evaluated: 2025-10-18. Review status: criteria provided, single submitter. Criteria: Ambry Variant Classification Scheme 2023. Collection method: clinical testing. Allele origin: germline.

Labcorp Genetics (formerly Invitae), Labcorp
Classification: Uncertain significance. Last evaluated: 2024-05-04. Review status: criteria provided, single submitter. Criteria: Invitae Variant Classification Sherloc (09022015). Collection method: clinical testing. Allele origin: germline.
Comment: This sequence change replaces threonine, which is neutral and polar, with methionine, which is neutral and non-polar, at codon 8 of the MACF1 protein (p.Thr8Met). This variant is present in population databases (rs748197494, gnomAD 0.009%). This variant has not been reported in the literature in individuals affected with MACF1-related conditions. Experimental studies and prediction algorithms are not available or were not evaluated, and the functional significance of this variant is currently unknown. In summary, the available evidence is currently insufficient to determine the role of this variant in disease. Therefore, it has been classified as a Variant of Uncertain Significance.

NM_012090.5(MACF1):c.23C>T (p.Thr8Met)

Gene: MACF1 (microtubule actin crosslinking factor 1; plus strand). Cytogenetic location: 1p34.3.
Variant type: single nucleotide variant.
Coding change: c.23C>T on transcript NM_012090.5; coding-DNA position 23, C replaced by T.
Protein change: p.Thr8Met; replaces threonine 8 with methionine.
Molecular consequence: missense variant.
Genome position (GRCh38, 1-based): chr1:39,084,241, C>T. VCF-style: chr1-39084241-C-T. GRCh37 (hg19) VCF-style: chr1-39549913-C-T.
Other names: short protein forms T8M.
Identifiers: ClinVar variation 3676355 (VCV003676355.2).
Genomic context (GRCh38, chr1:39,084,241, plus strand): 5'-GGCTCCCAGGCCCTCCTGCAGCAGCCCCCGCCTGGGCCATGTCTTCCTCAGATGAAGAGA[C>T]GCTCAGTGAGCGGTCATGTCGGAGTGAGCGGTCTTGTCGGAGTGAGCGATCTTACAGGAG-3'